The following is an entry in ClinVar:

NM_022367.4(SEMA4A):c.2177A>G (p.Glu726Gly)

Gene: SEMA4A (semaphorin 4A; plus strand). Cytogenetic location: 1q22.
Variant type: single nucleotide variant.
Coding change: c.2177A>G on transcript NM_022367.4 (MANE Select); coding-DNA position 2177, A replaced by G.
Protein change: p.Glu726Gly; replaces glutamic acid 726 with glycine.
Molecular consequence: missense variant.
Genome position (GRCh38, 1-based): chr1:156,176,888, A>G. VCF-style: chr1-156176888-A-G. GRCh37 (hg19) VCF-style: chr1-156146679-A-G.
Other names: c.2177A>G, p.Glu726Gly (NM_001193300.2, NM_001193301.2, NM_001370567.1); c.1781A>G, p.Glu594Gly (NM_001193302.2); c.1880A>G, p.Glu627Gly (NM_001370568.1); c.1670A>G, p.Glu557Gly (NM_001370569.1, NM_001370571.1); short protein forms E557G, E594G, E627G, E726G.
Identifiers: ClinVar variation 971862 (VCV000971862.9), dbSNP rs1288476658, ClinGen allele CA342813795.

ClinVar aggregate classification (germline): Uncertain significance (1 of 4 stars; one submission).

Allele frequency attached by ClinVar (database versions not stated): gnomAD exomes below 0.00001; TOPMed below 0.00001; gnomAD 0.00001.
gnomAD v4.1: 4 of 1,614,082 alleles (0.00025%); highest among the groups gnomAD compares: Non-Finnish European, 0.00034%; no homozygotes.

Submission:

Labcorp Genetics (formerly Invitae), Labcorp
Classification: Uncertain significance. Last evaluated: 2024-12-02. Review status: criteria provided, single submitter. Criteria: Invitae Variant Classification Sherloc (09022015). Collection method: clinical testing. Allele origin: germline.
Comment: This sequence change replaces glutamic acid, which is acidic and polar, with glycine, which is neutral and non-polar, at codon 726 of the SEMA4A protein (p.Glu726Gly). This variant is present in population databases (no rsID available, gnomAD 0.007%). This variant has not been reported in the literature in individuals affected with SEMA4A-related conditions. ClinVar contains an entry for this variant (Variation ID: 971862). An algorithm developed to predict the effect of missense changes on protein structure and function (PolyPhen-2) suggests that this variant is likely to be disruptive. In summary, the available evidence is currently insufficient to determine the role of this variant in disease. Therefore, it has been classified as a Variant of Uncertain Significance.